The following is an entry in ClinVar:

ClinVar aggregate classification (germline): Uncertain significance (1 of 4 stars; one submission).

Submission:

GeneDx
Classification: Uncertain significance. Last evaluated: 2022-05-08. Review status: criteria provided, single submitter. Criteria: GeneDx Variant Classification Process June 2021. Collection method: clinical testing. Allele origin: germline. Affected: yes.
Comment: Not observed at significant frequency in large population cohorts (gnomAD); In silico analysis supports that this missense variant has a deleterious effect on protein structure/function; Has not been previously published as pathogenic or benign to our knowledge

NM_021005.4(NR2F2):c.274G>C (p.Gly92Arg)

Gene: NR2F2 (nuclear receptor subfamily 2 group F member 2; plus strand). Cytogenetic location: 15q26.2.
Variant type: single nucleotide variant.
Coding change: c.274G>C on transcript NM_021005.4 (MANE Select); coding-DNA position 274, G replaced by C.
Protein change: p.Gly92Arg; replaces glycine 92 with arginine.
Molecular consequence: missense variant. On other transcripts: intron variant (1).
Genome position (GRCh38, 1-based): chr15:96,332,379, G>C. VCF-style: chr15-96332379-G-C. GRCh37 (hg19) VCF-style: chr15-96875608-G-C.
Other names: c.44-1697G>C (NM_001145155.2); short protein forms G92R.
Identifiers: ClinVar variation 1723583 (VCV001723583.2), dbSNP rs916901985, ClinGen allele CA393929987.